The following is an entry in ClinVar:

ClinVar aggregate classification (germline): Uncertain significance. Review status: criteria provided, multiple submitters, no conflicts (2 of 4 stars). 2 submissions from 2 submitters: Uncertain significance (2). Last evaluated 2025-01-05.

Conditions:
Inborn genetic diseases. Identifiers: MedGen C0950123, MeSH D030342.

Submissions (2):

Ambry Genetics
Classification: Uncertain significance for Inborn genetic diseases. Last evaluated: 2025-01-05. Review status: criteria provided, single submitter. Criteria: Ambry Variant Classification Scheme 2023. Collection method: clinical testing. Allele origin: germline.
Comment: The p.Y1350C variant (also known as c.4049A>G), located in coding exon 1 of the SAMD9 gene, results from an A to G substitution at nucleotide position 4049. The tyrosine at codon 1350 is replaced by cysteine, an amino acid with highly dissimilar properties. This amino acid position is conserved. In addition, this alteration is predicted to be tolerated by in silico analysis. Based on the available evidence, the clinical significance of this variant remains unclear.

Labcorp Genetics (formerly Invitae), Labcorp
Classification: Uncertain significance. Last evaluated: 2024-05-24. Review status: criteria provided, single submitter. Criteria: Invitae Variant Classification Sherloc (09022015). Collection method: clinical testing. Allele origin: germline.
Comment: This sequence change replaces tyrosine, which is neutral and polar, with cysteine, which is neutral and slightly polar, at codon 1350 of the SAMD9 protein (p.Tyr1350Cys). This variant is not present in population databases (gnomAD no frequency). This variant has not been reported in the literature in individuals affected with SAMD9-related conditions. Advanced modeling of protein sequence and biophysical properties (such as structural, functional, and spatial information, amino acid conservation, physicochemical variation, residue mobility, and thermodynamic stability) has been performed at Invitae for this missense variant, however the output from this modeling did not meet the statistical confidence thresholds required to predict the impact of this variant on SAMD9 protein function. In summary, the available evidence is currently insufficient to determine the role of this variant in disease. Therefore, it has been classified as a Variant of Uncertain Significance.

NM_017654.4(SAMD9):c.4049A>G (p.Tyr1350Cys)

Gene: SAMD9 (sterile alpha motif domain containing 9; minus strand). Cytogenetic location: 7q21.2.
Variant type: single nucleotide variant.
Coding change: c.4049A>G on transcript NM_017654.4 (MANE Select); coding-DNA position 4049, A replaced by G.
Protein change: p.Tyr1350Cys; replaces tyrosine 1350 with cysteine.
Molecular consequence: missense variant.
Genome position (GRCh38, 1-based): chr7:93,102,049, T>C on the plus strand (A>G on the coding strand, the complement: SAMD9 is on the minus strand). VCF-style: chr7-93102049-T-C. GRCh37 (hg19) VCF-style: chr7-92731362-T-C.
Other names: c.4049A>G, p.Tyr1350Cys (NM_001193307.2); c.4049A>G (NM_017654.3); short protein forms Y1350C.
Identifiers: ClinVar variation 3619633 (VCV003619633.3).